The following is an entry in ClinVar:

ClinVar aggregate classification (germline): Uncertain significance (1 of 4 stars; one submission).

Submission:

Ambry Genetics
Classification: Uncertain significance. Last evaluated: 2024-12-08. Review status: criteria provided, single submitter. Criteria: Ambry Variant Classification Scheme 2023. Collection method: clinical testing. Allele origin: germline.
Comment: The p.S186P variant (also known as c.556T>C), located in coding exon 4 of the GEN1 gene, results from a T to C substitution at nucleotide position 556. The serine at codon 186 is replaced by proline, an amino acid with similar properties. This amino acid position is conserved. In addition, the in silico prediction for this alteration is inconclusive. Based on the available evidence, the clinical significance of this variant remains unclear.

NM_001130009.3(GEN1):c.556T>C (p.Ser186Pro)

Gene: GEN1 (GEN1 Holliday junction 5' flap endonuclease; plus strand). Cytogenetic location: 2p24.2.
Variant type: single nucleotide variant.
Coding change: c.556T>C on transcript NM_001130009.3 (MANE Select); coding-DNA position 556, T replaced by C.
Protein change: p.Ser186Pro; replaces serine 186 with proline.
Molecular consequence: missense variant.
Genome position (GRCh38, 1-based): chr2:17,766,609, T>C. VCF-style: chr2-17766609-T-C. GRCh37 (hg19) VCF-style: chr2-17947876-T-C.
Other names: c.556T>C, p.Ser186Pro (NM_182625.5); short protein forms S186P.
Identifiers: ClinVar variation 3519775 (VCV003519775.1).